The following is an entry in ClinVar:

ClinVar aggregate classification (germline): Uncertain significance (1 of 4 stars; one submission).

Submission:

Labcorp Genetics (formerly Invitae), Labcorp
Classification: Uncertain significance. Last evaluated: 2024-10-11. Review status: criteria provided, single submitter. Criteria: Invitae Variant Classification Sherloc (09022015). Collection method: clinical testing. Allele origin: germline.
Comment: This sequence change replaces methionine, which is neutral and non-polar, with threonine, which is neutral and polar, at codon 170 of the ELP4 protein (p.Met170Thr). The frequency data for this variant in the population databases is considered unreliable, as metrics indicate poor data quality at this position in the gnomAD database. This variant has not been reported in the literature in individuals affected with ELP4-related conditions. An algorithm developed to predict the effect of missense changes on protein structure and function (PolyPhen-2) suggests that this variant is likely to be tolerated. In summary, the available evidence is currently insufficient to determine the role of this variant in disease. Therefore, it has been classified as a Variant of Uncertain Significance.

NM_019040.5(ELP4):c.509T>C (p.Met170Thr)

Gene: ELP4 (elongator acetyltransferase complex subunit 4; plus strand). Cytogenetic location: 11p13.
Variant type: single nucleotide variant.
Coding change: c.509T>C on transcript NM_019040.5 (MANE Select); coding-DNA position 509, T replaced by C.
Protein change: p.Met170Thr; replaces methionine 170 with threonine.
Molecular consequence: missense variant.
Genome position (GRCh38, 1-based): chr11:31,594,897, T>C. VCF-style: chr11-31594897-T-C. GRCh37 (hg19) VCF-style: chr11-31616444-T-C.
Other names: c.509T>C, p.Met170Thr (NM_001288725.2, NM_001288726.2); short protein forms M170T.
Identifiers: ClinVar variation 3611198 (VCV003611198.2).